The following is an entry in ClinVar:

NM_001267550.2(TTN):c.95258T>C (p.Leu31753Pro)

Genes: TTN-AS1 (TTN antisense RNA 1; plus strand), TTN (titin; minus strand). Cytogenetic location: 2q31.2.
Variant type: single nucleotide variant.
Coding change: c.95258T>C on transcript NM_001267550.2 (MANE Select); coding-DNA position 95258, T replaced by C.
Protein change: p.Leu31753Pro; replaces leucine 31753 with proline.
Molecular consequence: missense variant.
Genome position (GRCh38, 1-based): chr2:178,545,978, A>G on the plus strand (T>C on the coding strand, the complement: TTN is on the minus strand). VCF-style: chr2-178545978-A-G. GRCh37 (hg19) VCF-style: chr2-179410705-A-G.
Other names: c.90335T>C, p.Leu30112Pro (NM_001256850.1); c.68063T>C, p.Leu22688Pro (NM_003319.4); c.87554T>C, p.Leu29185Pro (NM_133378.4); c.68438T>C, p.Leu22813Pro (NM_133432.3); c.68639T>C, p.Leu22880Pro (NM_133437.4); short protein forms L22688P, L30112P, L22813P, L22880P, L29185P, L31753P.
Identifiers: ClinVar variation 2941855 (VCV002941855.3), dbSNP rs2469029720, ClinGen allele CA349463481.

ClinVar aggregate classification (germline): Uncertain significance (1 of 4 stars; one submission).

Conditions:
Dilated cardiomyopathy 1G (CMD1G). Identifiers: Orphanet 154, MedGen C1858763, MONDO:0011400, OMIM 604145.
Autosomal recessive limb-girdle muscular dystrophy type 2J (LGMDR10). Also called: Limb-girdle muscular dystrophy, type 2J; MUSCULAR DYSTROPHY, LIMB-GIRDLE, AUTOSOMAL RECESSIVE 10. Identifiers: Orphanet 140922, MedGen C1837342, MONDO:0012127, OMIM 608807.

Submission:

Labcorp Genetics (formerly Invitae), Labcorp
Classification: Uncertain significance for Dilated cardiomyopathy 1G; Autosomal recessive limb-girdle muscular dystrophy type 2J. Last evaluated: 2022-11-29. Review status: criteria provided, single submitter. Criteria: Invitae Variant Classification Sherloc (09022015). Collection method: clinical testing. Allele origin: germline.
Comment: This sequence change replaces leucine, which is neutral and non-polar, with proline, which is neutral and non-polar, at codon 31753 of the TTN protein (p.Leu31753Pro). This variant is not present in population databases (gnomAD no frequency). This variant has not been reported in the literature in individuals affected with TTN-related conditions. Experimental studies and prediction algorithms are not available or were not evaluated, and the functional significance of this variant is currently unknown. In summary, the available evidence is currently insufficient to determine the role of this variant in disease. Therefore, it has been classified as a Variant of Uncertain Significance. This variant is located in the A band of TTN (PMID: 25589632). Variants in this region may be relevant for cardiac or neuromuscular disorders (PMID: 25589632, 23975875).

Literature cited by the submitters: PubMed 25589632; PubMed 23975875.